The following is an entry in ClinVar:

ClinVar aggregate classification (germline): Uncertain significance (1 of 4 stars; one submission).

Conditions:
Familial temporal lobe epilepsy 7. Identifiers: Orphanet 101046, MedGen C4225327, MONDO:0014639, OMIM 616436.
Norman-Roberts syndrome (LIS2). Also called: Lissencephaly 2 (Norman-Roberts type). Identifiers: Orphanet 89844, MedGen C0796089, MONDO:0009760, OMIM 257320.

Submission:

Labcorp Genetics (formerly Invitae), Labcorp
Classification: Uncertain significance for Familial temporal lobe epilepsy 7; Norman-Roberts syndrome. Last evaluated: 2022-11-21. Review status: criteria provided, single submitter. Criteria: Invitae Variant Classification Sherloc (09022015). Collection method: clinical testing. Allele origin: germline.
Comment: In summary, the available evidence is currently insufficient to determine the role of this variant in disease. Therefore, it has been classified as a Variant of Uncertain Significance. Advanced modeling of protein sequence and biophysical properties (such as structural, functional, and spatial information, amino acid conservation, physicochemical variation, residue mobility, and thermodynamic stability) performed at Invitae indicates that this missense variant is not expected to disrupt RELN protein function. This variant has not been reported in the literature in individuals affected with RELN-related conditions. This variant is not present in population databases (gnomAD no frequency). This sequence change replaces threonine, which is neutral and polar, with isoleucine, which is neutral and non-polar, at codon 405 of the RELN protein (p.Thr405Ile).

NM_005045.4(RELN):c.1214C>T (p.Thr405Ile)

Gene: RELN (reelin; minus strand). Cytogenetic location: 7q22.1.
Variant type: single nucleotide variant.
Coding change: c.1214C>T on transcript NM_005045.4 (MANE Select); coding-DNA position 1214, C replaced by T.
Protein change: p.Thr405Ile; replaces threonine 405 with isoleucine.
Molecular consequence: missense variant.
Genome position (GRCh38, 1-based): chr7:103,682,191, G>A on the plus strand (C>T on the coding strand, the complement: RELN is on the minus strand). VCF-style: chr7-103682191-G-A. GRCh37 (hg19) VCF-style: chr7-103322638-G-A.
Other names: c.1214C>T, p.Thr405Ile (NM_173054.3); short protein forms T405I.
Identifiers: ClinVar variation 2083126 (VCV002083126.4), dbSNP rs2484900769, ClinGen allele CA368926443.